The following is an entry in ClinVar:

NM_001276345.2(TNNT2):c.172G>A (p.Glu58Lys)

Gene: TNNT2 (troponin T2, cardiac type; minus strand). Cytogenetic location: 1q32.1.
Variant type: single nucleotide variant.
Coding change: c.172G>A on transcript NM_001276345.2 (MANE Select); coding-DNA position 172, G replaced by A.
Protein change: p.Glu58Lys; replaces glutamic acid 58 with lysine.
Molecular consequence: missense variant.
Genome position (GRCh38, 1-based): chr1:201,367,798, C>T on the plus strand (G>A on the coding strand, the complement: TNNT2 is on the minus strand). VCF-style: chr1-201367798-C-T. GRCh37 (hg19) VCF-style: chr1-201336926-C-T.
Other names: c.172G>A, p.Glu58Lys (NM_000364.4); c.142G>A, p.Glu48Lys (NM_001001430.3, NM_001001431.3, NM_001276347.2); c.127G>A, p.Glu43Lys (NM_001001432.3); c.169G>A, p.Glu57Lys (NM_001276346.2); short protein forms E57K, E58K, E43K, E48K.
Identifiers: ClinVar variation 915789 (VCV000915789.3), dbSNP rs1659923363, ClinGen allele CA344207060.

ClinVar aggregate classification (germline): Uncertain significance. Review status: criteria provided, multiple submitters, no conflicts (2 of 4 stars). 2 submissions from 2 submitters: Uncertain significance (2). Last evaluated 2025-08-16.

Conditions:
Hypertrophic cardiomyopathy 2. Also called: TNNT2-Related Familial Hypertrophic Cardiomyopathy. Identifiers: MedGen C1861864, MONDO:0007266, OMIM 115195.
Cardiomyopathy, familial restrictive, 3. Identifiers: Orphanet 75249, MedGen C2676271, MONDO:0012900, OMIM 612422.
Dilated cardiomyopathy 1D. Identifiers: Orphanet 154, Orphanet 54260, MedGen C1832243, MONDO:0011095, OMIM 601494.
Cardiomyopathy (CMYO). Also called: Cardiomyopathies. Identifiers: Orphanet 167848, MedGen C0878544, MONDO:0004994, HP:0001638. Inheritance: Various modes of inheritance.

Allele frequency attached by ClinVar (database versions not stated): TOPMed below 0.00001; gnomAD 0.00001.
gnomAD v4.1: 2 of 1,614,072 alleles (0.00012%); highest among the groups gnomAD compares: Non-Finnish European, 0.00017%; no homozygotes.

Submissions (2):

Labcorp Genetics (formerly Invitae), Labcorp
Classification: Uncertain significance for Cardiomyopathy, familial restrictive, 3; Hypertrophic cardiomyopathy 2; Dilated cardiomyopathy 1D. Last evaluated: 2025-08-16. Review status: criteria provided, single submitter. Criteria: Invitae Variant Classification Sherloc (09022015). Collection method: clinical testing. Allele origin: germline.
Comment: This sequence change replaces glutamic acid, which is acidic and polar, with lysine, which is basic and polar, at codon 48 of the TNNT2 protein (p.Glu48Lys). This variant is not present in population databases (gnomAD no frequency). This variant has not been reported in the literature in individuals affected with TNNT2-related conditions. ClinVar contains an entry for this variant (Variation ID: 915789). Invitae Evidence Modeling of protein sequence and biophysical properties (such as structural, functional, and spatial information, amino acid conservation, physicochemical variation, residue mobility, and thermodynamic stability) indicates that this missense variant is not expected to disrupt TNNT2 protein function with a negative predictive value of 80%. In summary, the available evidence is currently insufficient to determine the role of this variant in disease. Therefore, it has been classified as a Variant of Uncertain Significance.

CHEO Genetics Diagnostic Laboratory, Children's Hospital of Eastern Ontario
Classification: Uncertain significance for Cardiomyopathy. Last evaluated: 2018-02-08. Review status: criteria provided, single submitter. Criteria: ACMG Guidelines, 2015. Collection method: clinical testing. Allele origin: germline.